The following is an entry in ClinVar:

NM_000138.5(FBN1):c.3773C>T (p.Pro1258Leu)

Gene: FBN1 (fibrillin 1; minus strand). Cytogenetic location: 15q21.1.
Variant type: single nucleotide variant.
Coding change: c.3773C>T on transcript NM_000138.5 (MANE Select); coding-DNA position 3773, C replaced by T.
Protein change: p.Pro1258Leu; replaces proline 1258 with leucine.
Molecular consequence: missense variant.
Genome position (GRCh38, 1-based): chr15:48,483,883, G>A on the plus strand (C>T on the coding strand, the complement: FBN1 is on the minus strand). VCF-style: chr15-48483883-G-A. GRCh37 (hg19) VCF-style: chr15-48776080-G-A.
Other names: c.3773C>T, p.Pro1258Leu (NM_001406716.1); short protein forms P1258L.
Identifiers: ClinVar variation 3071081 (VCV003071081.1), dbSNP rs2043485113, ClinGen allele CA392323916.

ClinVar aggregate classification (germline): Uncertain significance (1 of 4 stars; one submission).

Conditions:
Marfan syndrome (MFS). Also called: MARFAN SYNDROME, TYPE I; Marfan syndrome type 1; Marfan's syndrome; Marfan syndrome, classic; FBN1-Related Marfan Syndrome. Identifiers: Orphanet 284963, Orphanet 558, MedGen C0024796, MONDO:0007947, OMIM 154700.

Submission:

All of Us Research Program, National Institutes of Health
Classification: Uncertain significance for Marfan syndrome. Last evaluated: 2023-05-16. Review status: criteria provided, single submitter. Criteria: ACMG Guidelines, 2015. Collection method: clinical testing. Allele origin: germline. Inheritance: Autosomal dominant inheritance. Observed: 1 variant allele, 1 heterozygote.
Comment: This missense variant replaces proline with leucine at codon 1258 of the FBN1 protein. Computational prediction is inconclusive regarding the impact of this variant on protein structure and function (internally defined REVEL score threshold 0.5 < inconclusive < 0.7, PMID: 27666373). To our knowledge, functional studies have not been reported for this variant. This variant has not been reported in individuals affected with FBN1-related disorders in the literature. This variant has not been identified in the general population by the Genome Aggregation Database (gnomAD). The available evidence is insufficient to determine the role of this variant in disease conclusively. Therefore, this variant is classified as a Variant of Uncertain Significance.

This study involves interpretation of variants in research participants for the purpose of population health screening. Participant phenotype was not available at the time of variant classification. Additional details can be found in publication PMID: 35346344, PMCID: PMC8962531